The following is an entry in ClinVar:

NM_001903.5(CTNNA1):c.37T>G (p.Trp13Gly)

Gene: CTNNA1 (catenin alpha 1; plus strand). Cytogenetic location: 5q31.2.
Variant type: single nucleotide variant.
Coding change: c.37T>G on transcript NM_001903.5 (MANE Select); coding-DNA position 37, T replaced by G.
Protein change: p.Trp13Gly; replaces tryptophan 13 with glycine.
Molecular consequence: missense variant. On other transcripts: 5 prime UTR variant (2).
Genome position (GRCh38, 1-based): chr5:138,781,961, T>G. VCF-style: chr5-138781961-T-G. GRCh37 (hg19) VCF-style: chr5-138117650-T-G.
Other names: c.37T>G, p.Trp13Gly (NM_001290307.3, NM_001323982.2, NM_001323983.1 and 3 more transcripts); c.-77T>G (NM_001290309.3); c.-170T>G (NM_001290310.3); c.37T>G (NM_001903.2); short protein forms W13G.
Identifiers: ClinVar variation 1363962 (VCV001363962.7), dbSNP rs1755159708, ClinGen allele CA361477100.

ClinVar aggregate classification (germline): Uncertain significance. Review status: criteria provided, multiple submitters, no conflicts (2 of 4 stars). 2 submissions from 2 submitters: Uncertain significance (2). Last evaluated 2023-07-29.

Conditions:
Hereditary cancer-predisposing syndrome. Also called: Neoplastic Syndromes, Hereditary; Tumor predisposition; Hereditary neoplastic syndrome; Hereditary Cancer Syndrome. Identifiers: Orphanet 140162, MedGen C0027672, MeSH D009386, MONDO:0015356.

Submissions (2):

Ambry Genetics
Classification: Uncertain significance for Hereditary cancer-predisposing syndrome. Last evaluated: 2023-07-29. Review status: criteria provided, single submitter. Criteria: Ambry Variant Classification Scheme 2023. Collection method: clinical testing. Allele origin: germline.
Comment: The p.W13G variant (also known as c.37T>G), located in coding exon 1 of the CTNNA1 gene, results from a T to G substitution at nucleotide position 37. The tryptophan at codon 13 is replaced by glycine, an amino acid with highly dissimilar properties. This amino acid position is conserved. In addition, this alteration is predicted to be deleterious by in silico analysis. Since supporting evidence is limited at this time, the clinical significance of this alteration remains unclear.

Labcorp Genetics (formerly Invitae), Labcorp
Classification: Uncertain significance. Last evaluated: 2021-10-21. Review status: criteria provided, single submitter. Criteria: Invitae Variant Classification Sherloc (09022015). Collection method: clinical testing. Allele origin: germline.
Comment: This sequence change replaces tryptophan with glycine at codon 13 of the CTNNA1 protein (p.Trp13Gly). The tryptophan residue is highly conserved and there is a large physicochemical difference between tryptophan and glycine. This variant is not present in population databases (ExAC no frequency). This variant has not been reported in the literature in individuals affected with CTNNA1-related conditions. Algorithms developed to predict the effect of missense changes on protein structure and function are either unavailable or do not agree on the potential impact of this missense change (SIFT: "Deleterious"; PolyPhen-2: "Possibly Damaging"; Align-GVGD: "Class C0"). In summary, the available evidence is currently insufficient to determine the role of this variant in disease. Therefore, it has been classified as a Variant of Uncertain Significance.